The following is an entry in ClinVar:

NM_000163.5(GHR):c.192_193del (p.Ser65fs)

Gene: GHR (growth hormone receptor; plus strand). Cytogenetic location: 5p12.
Variant type: Deletion.
Coding change: c.192_193del on transcript NM_000163.5 (MANE Select); coding-DNA positions 192 to 193, 2 bases deleted (TT; older notation c.192_193delTT).
Protein change: p.Ser65fs; shifts the reading frame from serine 65.
Molecular consequence: frameshift variant.
Genome position (GRCh38, 1-based): chr5:42,688,945-42,688,946, TT deleted; deleting any 2 consecutive bases within chr5:42,688,942-42,688,946 gives the same sequence; the c. name uses the placement nearest the transcript's 3' end. VCF-style (leftmost placement, unchanged base first): chr5-42688941-CTT-C. GRCh37 (hg19) VCF-style: chr5-42689043-CTT-C.
Other names: c.213_214del, p.Ser72fs (NM_001242399.2); c.192_193del, p.Ser65fs (NM_001242400.2, NM_001242401.4, NM_001242402.2 and 5 more transcripts); c.126_127delTT, p.Ser43Metfs (NM_001242460.2); c.192_193delTT (NM_000163.5); short protein forms S43fs, S65fs, S72fs.
Identifiers: ClinVar variation 1206352 (VCV001206352.9), dbSNP rs1194378231, ClinGen allele CA558917094.

ClinVar aggregate classification (germline): Pathogenic. Review status: criteria provided, multiple submitters, no conflicts (2 of 4 stars). 7 submissions from 7 submitters: Pathogenic (4). 3 of the submissions do not count toward it. Last evaluated 2024-10-02.

Conditions:
Laron-type isolated somatotropin defect. Also called: Laron Syndrome; Growth hormone binding protein deficiency or dysfunction; Growth hormone receptor deficiency or dysfunction; Laron dwarfism; Laron type pituitary dwarfism I; GROWTH HORMONE RECEPTOR DEFICIENCY. Identifiers: Orphanet 633, MedGen C0271568, MONDO:0009877, OMIM 262500.
Growth hormone insensitivity syndrome. Identifiers: Orphanet 181393, MedGen C4318479, MONDO:0015892.

Submissions (7):

Women's Health and Genetics/Laboratory Corporation of America, LabCorp
Classification: Pathogenic for Growth hormone insensitivity syndrome. Last evaluated: 2024-10-02. Review status: criteria provided, single submitter. Criteria: LabCorp Variant Classification Summary - May 2015. Collection method: clinical testing. Allele origin: germline.
Comment: Variant summary: GHR c.192_193delTT (p.Ser65MetfsX6) results in a premature termination codon, predicted to cause a truncation of the encoded protein or absence of the protein due to nonsense mediated decay, which are commonly known mechanisms for disease. The variant allele was found at a frequency of 8e-06 in 251402 control chromosomes. c.192_193delTT has been reported in the literature in individuals affected with Growth Hormone Insensitivity (Berg_1993). These data indicate that the variant may be associated with disease. To our knowledge, no experimental evidence demonstrating an impact on protein function has been reported. The following publication have been ascertained in the context of this evaluation (PMID: 8488849). ClinVar contains an entry for this variant (Variation ID: 1206352). Based on the evidence outlined above, the variant was classified as pathogenic.

GeneDx
Classification: Pathogenic. Last evaluated: 2023-07-07. Review status: criteria provided, single submitter. Criteria: GeneDx Variant Classification Process June 2021. Collection method: clinical testing. Allele origin: germline. Affected: yes.
Comment: Seen with a second variant in a patient with Laron syndrome, however it is unclear if the variants are on the same or opposite chromosomes (Berg et al., 1993); Frameshift variant predicted to result in protein truncation or nonsense mediated decay in a gene for which loss of function is a known mechanism of disease; Not observed at significant frequency in large population cohorts (gnomAD); This variant is associated with the following publications: (PMID: 9076344, 8488849)

Labcorp Genetics (formerly Invitae), Labcorp
Classification: Pathogenic. Last evaluated: 2023-05-22. Review status: criteria provided, single submitter. Criteria: Invitae Variant Classification Sherloc (09022015). Collection method: clinical testing. Allele origin: germline.
Comment: This variant is present in population databases (no rsID available, gnomAD 0.0009%). This premature translational stop signal has been observed in individual(s) with autosomal recessive Laron syndrome (PMID: 8488849). This variant is also known as 45delTT. ClinVar contains an entry for this variant (Variation ID: 1206352). This sequence change creates a premature translational stop signal (p.Ser65Metfs*6) in the GHR gene. It is expected to result in an absent or disrupted protein product. Loss-of-function variants in GHR are known to be pathogenic (PMID: 1999489, 8488849). For these reasons, this variant has been classified as Pathogenic.

Eurofins-Biomnis
Classification: Pathogenic for Laron-type isolated somatotropin defect. Last evaluated: 2022-12-13. Review status: criteria provided, single submitter. Criteria: Accession Criteria ClinVar Biomnis. Collection method: clinical testing. Allele origin: biparental. Affected: yes. Observed: 1 homozygote.

OMIM
Classification: Pathogenic for LARON SYNDROME. Last evaluated: 1993-05-01. Review status: no assertion criteria provided. Collection method: literature only. Allele origin: germline. Not counted in ClinVar's aggregate classification.

Clinical Genetics DNA and cytogenetics Diagnostics Lab, Erasmus MC, Erasmus Medical Center
Classification: Pathogenic. Review status: no assertion criteria provided. Collection method: clinical testing. Allele origin: germline. Affected: yes. Study: VKGL Data-share Consensus. Not counted in ClinVar's aggregate classification.

Laboratory of Diagnostic Genome Analysis, Leiden University Medical Center (LUMC)
Classification: Pathogenic. Review status: no assertion criteria provided. Collection method: clinical testing. Allele origin: germline. Affected: yes. Study: VKGL Data-share Consensus. Not counted in ClinVar's aggregate classification.

Literature cited by the submitters: PubMed 8488849 (cited by 3 submitters); PubMed 1999489 (cited by Labcorp Genetics (formerly Invitae), Labcorp).